The following is an entry in ClinVar:

ClinVar aggregate classification (germline): Uncertain significance (1 of 4 stars; one submission).

Conditions:
MPDU1-congenital disorder of glycosylation. Also called: MPDU1-CDG; CDG If; CONGENITAL DISORDER OF GLYCOSYLATION, TYPE If. Identifiers: Orphanet 79323, MedGen C1836669, MONDO:0012211, OMIM 609180.

Submission:

Labcorp Genetics (formerly Invitae), Labcorp
Classification: Uncertain significance for MPDU1-congenital disorder of glycosylation. Last evaluated: 2021-06-19. Review status: criteria provided, single submitter. Criteria: Invitae Variant Classification Sherloc (09022015). Collection method: clinical testing. Allele origin: germline.
Comment: This sequence change replaces proline with alanine at codon 211 of the MPDU1 protein (p.Pro211Ala). The proline residue is moderately conserved and there is a small physicochemical difference between proline and alanine. This variant is not present in population databases (ExAC no frequency). This variant has not been reported in the literature in individuals with MPDU1-related conditions. Algorithms developed to predict the effect of missense changes on protein structure and function (SIFT, PolyPhen-2, Align-GVGD) all suggest that this variant is likely to be tolerated, but these predictions have not been confirmed by published functional studies and their clinical significance is uncertain. In summary, the available evidence is currently insufficient to determine the role of this variant in disease. Therefore, it has been classified as a Variant of Uncertain Significance.

NM_004870.4(MPDU1):c.631C>G (p.Pro211Ala)

Gene: MPDU1 (mannose-P-dolichol utilization defect 1; plus strand). Cytogenetic location: 17p13.1.
Variant type: single nucleotide variant.
Coding change: c.631C>G on transcript NM_004870.4 (MANE Select); coding-DNA position 631, C replaced by G.
Protein change: p.Pro211Ala; replaces proline 211 with alanine.
Molecular consequence: missense variant. On other transcripts: non-coding transcript variant (1).
Genome position (GRCh38, 1-based): chr17:7,587,438, C>G. VCF-style: chr17-7587438-C-G. GRCh37 (hg19) VCF-style: chr17-7490756-C-G.
Other names: c.573C>G, p.Ile191Met (NM_001330073.1); short protein forms I191M, P211A.
Identifiers: ClinVar variation 1511958 (VCV001511958.8), dbSNP rs2150936424, ClinGen allele CA397842122.